The following is an entry in ClinVar:

ClinVar aggregate classification (germline): Pathogenic (0 of 4 stars; one submission).

Conditions:
Arterial calcification, generalized, of infancy, 1 (GACI1). Also called: Idiopathic Infantile Arterial Calcification. Identifiers: Orphanet 51608, MedGen C4551985, MONDO:0008817, OMIM 208000.

Submission:

Institute for Cardiogenetics, University of Luebeck
Classification: Pathogenic for Arterial calcification, generalized, of infancy, 1. Last evaluated: 2023-10-18. Review status: no assertion criteria provided. Collection method: research. Allele origin: inherited. Inheritance: Autosomal recessive inheritance. Affected: yes. Observed: 1 homozygote.
Comment: We described how a novel splice site variant (c.2230+5) in the C-terminal nuclease-like domain (NLD) has a deleterious effect on the stability and function of the protein.

NM_006208.3(ENPP1):c.2230+5G>A

Gene: ENPP1 (ectonucleotide pyrophosphatase/phosphodiesterase 1; plus strand). Cytogenetic location: 6q23.2.
Variant type: single nucleotide variant.
Coding change: c.2230+5G>A on transcript NM_006208.3 (MANE Select); 5 bases into the intron after coding-DNA position 2230, G replaced by A.
Molecular consequence: intron variant.
Genome position (GRCh38, 1-based): chr6:131,882,479, G>A. VCF-style: chr6-131882479-G-A. GRCh37 (hg19) VCF-style: chr6-132203619-G-A.
Identifiers: ClinVar variation 2584779 (VCV002584779.3), dbSNP rs2483527612, ClinGen allele CA2697553690.